The following is an entry in ClinVar:

ClinVar aggregate classification (germline): Likely benign (0 of 4 stars; one submission).

Conditions:
DISP3-related disorder. Also called: DISP3-related condition.

Allele frequency attached by ClinVar (database versions not stated): ExAC 0.00022; ESP Exome Variant Server 0.00023; TOPMed 0.00037; gnomAD 0.00041; gnomAD exomes 0.00054.
gnomAD v4.1: 849 of 1,613,516 alleles (0.053%); highest among the groups gnomAD compares: Non-Finnish European, 0.066%; no homozygotes.

Submission:

PreventionGenetics, part of Exact Sciences
Classification: Likely benign for DISP3-related condition. Last evaluated: 2019-02-28. Review status: no assertion criteria provided. Collection method: clinical testing. Allele origin: germline.
Comment: This variant is classified as likely benign based on ACMG/AMP sequence variant interpretation guidelines (Richards et al. 2015 PMID: 25741868, with internal and published modifications).

NM_020780.2(DISP3):c.3936C>T (p.Ile1312=)

Gene: DISP3 (dispatched RND transporter family member 3; plus strand). Cytogenetic location: 1p36.22.
Variant type: single nucleotide variant.
Coding change: c.3936C>T on transcript NM_020780.2 (MANE Select); coding-DNA position 3936, C replaced by T.
Protein change: p.Ile1312=; no amino-acid change (isoleucine 1312 retained).
Molecular consequence: synonymous variant.
Genome position (GRCh38, 1-based): chr1:11,536,443, C>T. VCF-style: chr1-11536443-C-T. GRCh37 (hg19) VCF-style: chr1-11596500-C-T.
Identifiers: ClinVar variation 3050152 (VCV003050152.2), dbSNP rs201313405, ClinGen allele CA592613.
Genomic context (GRCh38, chr1:11,536,443, plus strand): 5'-CATCGTCTCCAGTGCCCTCACCACGGTCATCGCCACAGTGCCCCTCTTCTTCTGCATCAT[C>T]GCCCCATTTGCCAAGTTCGGCAAGATTGTGGCACTCAACACGGGCGTGTCCATCCTCTAC-3'
Protein context (NP_065831.1, residues 1302-1322): IATVPLFFCI[Ile1312=]APFAKFGKIV